The following is an entry in ClinVar:

ClinVar aggregate classification (germline): Uncertain significance. Review status: criteria provided, multiple submitters, no conflicts (2 of 4 stars). 2 submissions from 2 submitters: Uncertain significance (2). Last evaluated 2024-10-17.

Conditions:
Polycystic kidney disease 3 with or without polycystic liver disease. Also called: Polycystic kidney disease 3; POLYCYSTIC KIDNEY DISEASE, ADULT, TYPE III; Polycystic Kidney and/or Polycystic Liver Disease 3. Identifiers: MedGen C3887964, MONDO:0010916, OMIM 600666.
GANAB-related disorder. Also called: GANAB-related condition.

gnomAD v4.1: 13 of 1,610,430 alleles (0.00081%); highest among the groups gnomAD compares: South Asian, 0.0011%; no homozygotes.

Submissions (2):

PreventionGenetics, part of Exact Sciences
Classification: Uncertain significance for GANAB-related condition. Last evaluated: 2024-10-17. Review status: criteria provided, single submitter. Criteria: ACMG Guidelines, 2015. Collection method: clinical testing. Allele origin: germline.
Comment: The GANAB c.131G>T variant is predicted to result in the amino acid substitution p.Ser44Ile. To our knowledge, this variant has not been reported in the literature or in a large population database (gnomAD), indicating this variant is rare. At this time, the clinical significance of this variant is uncertain due to the absence of conclusive functional and genetic evidence.

Fulgent Genetics
Classification: Uncertain significance for Polycystic kidney disease 3 with or without polycystic liver disease. Last evaluated: 2024-02-03. Review status: criteria provided, single submitter. Criteria: ACMG Guidelines, 2015. Collection method: clinical testing. Allele origin: germline.

NM_198334.3(GANAB):c.131G>T (p.Ser44Ile)

Gene: GANAB (glucosidase II alpha subunit; minus strand). Cytogenetic location: 11q12.3.
Variant type: single nucleotide variant.
Coding change: c.131G>T on transcript NM_198334.3 (MANE Select); coding-DNA position 131, G replaced by T.
Protein change: p.Ser44Ile; replaces serine 44 with isoleucine.
Molecular consequence: missense variant. On other transcripts: 5 prime UTR variant (5), intron variant (2).
Genome position (GRCh38, 1-based): chr11:62,639,639, C>A on the plus strand (G>T on the coding strand, the complement: GANAB is on the minus strand). VCF-style: chr11-62639639-C-A. GRCh37 (hg19) VCF-style: chr11-62407111-C-A.
Other names: c.-52G>T (NM_001278194.2); c.-161G>T (NM_001329222.2); c.-157G>T (NM_001329223.2); c.-646G>T (NM_001329224.2, NM_001329225.2); c.131G>T, p.Ser44Ile (NM_198335.4); c.39-4639G>T (NM_001278193.2, NM_001278192.2); c.131G>T (NM_198335.3); short protein forms S44I.
Identifiers: ClinVar variation 3599908 (VCV003599908.2).